The following is an entry in ClinVar:

NM_000257.4(MYH7):c.2712C>A (p.Arg904=)

Gene: MYH7 (myosin heavy chain 7; minus strand). Cytogenetic location: 14q11.2.
Variant type: single nucleotide variant.
Coding change: c.2712C>A on transcript NM_000257.4 (MANE Select); coding-DNA position 2712, C replaced by A.
Protein change: p.Arg904=; no amino-acid change (arginine 904 retained).
Molecular consequence: synonymous variant.
Genome position (GRCh38, 1-based): chr14:23,424,117, G>T on the plus strand (C>A on the coding strand, the complement: MYH7 is on the minus strand). VCF-style: chr14-23424117-G-T. GRCh37 (hg19) VCF-style: chr14-23893326-G-T.
Other names: c.2712C>A, p.Arg904= (NM_001407004.1).
Identifiers: ClinVar variation 3074815 (VCV003074815.1), dbSNP rs2502280309, ClinGen allele CA485767242.
Genomic context (GRCh38, chr14:23,424,117, plus strand): 5'-CTCGTTCATCTCCTTCACCTTGGCCTCCAGCTGAATCTTGTTTTTGATCAGCTGATCACA[G>T]CGCTCCTCAGCATCTGCCAGGTTGTCTTGTTCCTGAAGGTGAGGAACAGAGGGGAGGCTG-3'
Protein context (NP_000248.2, residues 894-914): EQDNLADAEE[Arg904=]CDQLIKNKIQ

ClinVar aggregate classification (germline): Likely benign (1 of 4 stars; one submission).

Conditions:
Cardiomyopathy (CMYO). Also called: Cardiomyopathies. Identifiers: Orphanet 167848, MedGen C0878544, MONDO:0004994, HP:0001638. Inheritance: Various modes of inheritance.

Submission:

All of Us Research Program, National Institutes of Health
Classification: Likely benign for Cardiomyopathy. Last evaluated: 2023-12-13. Review status: criteria provided, single submitter. Criteria: ACMG Guidelines, 2015. Collection method: clinical testing. Allele origin: germline. Inheritance: Autosomal dominant inheritance. Observed: 1 variant allele, 1 heterozygote.
Comment: This study involves interpretation of variants in research participants for the purpose of population health screening. Participant phenotype was not available at the time of variant classification. Additional details can be found in publication PMID: 35346344, PMCID: PMC8962531